The following is an entry in ClinVar:

ClinVar aggregate classification (germline): Benign/Likely benign. Review status: criteria provided, multiple submitters, no conflicts (2 of 4 stars). 16 submissions from 12 submitters: Benign (14); Likely benign (1). 1 of the submissions does not count toward it. Last evaluated 2026-02-04.

Conditions:
Usher syndrome type 1 (USH1). Also called: RETINITIS PIGMENTOSA AND CONGENITAL DEAFNESS. Identifiers: Orphanet 231169, Orphanet 886, MedGen C1568247, MONDO:0010168, OMIM 276900.
Autosomal recessive nonsyndromic hearing loss 2. Also called: DEAFNESS, AUTOSOMAL RECESSIVE 2; NEUROSENSORY NONSYNDROMIC RECESSIVE DEAFNESS 2. Identifiers: Orphanet 90636, MedGen C1838701, MONDO:0010807, OMIM 600060.
Usher syndrome type 1B (USH1B). Also called: Usher syndrome type IB. Identifiers: MedGen C1848638, MONDO:0700087.
Autosomal dominant nonsyndromic hearing loss 11. Identifiers: Orphanet 90635, MedGen C1832475, MONDO:0011032, OMIM 601317.

Allele frequency attached by ClinVar (database versions not stated): ExAC 0.54399; gnomAD exomes 0.54998; 1000 Genomes Project 0.55172; 1000 Genomes Project 30x 0.55778; gnomAD 0.58829 and 0.59864; ESP Exome Variant Server 0.58911; TOPMed 0.59615.

Submissions (16):

Labcorp Genetics (formerly Invitae), Labcorp
Classification: Benign. Last evaluated: 2026-02-04. Review status: criteria provided, single submitter. Criteria: Invitae Variant Classification Sherloc (09022015). Collection method: clinical testing. Allele origin: germline.

Women's Health and Genetics/Laboratory Corporation of America, LabCorp
Classification: Benign. Last evaluated: 2025-05-22. Review status: criteria provided, single submitter. Criteria: LabCorp Variant Classification Summary - May 2015. Collection method: clinical testing. Allele origin: germline.

Blueprint Genetics
Classification: Likely benign. Last evaluated: 2024-11-27. Review status: criteria provided, single submitter. Criteria: ACMG Guidelines, 2015. Collection method: clinical testing. Allele origin: germline.

Genome-Nilou Lab
Classification: Benign for Autosomal dominant nonsyndromic hearing loss 11. Last evaluated: 2021-07-01. Review status: criteria provided, single submitter. Criteria: ACMG Guidelines, 2015. Collection method: clinical testing. Allele origin: germline. Affected: no.

Genome-Nilou Lab
Classification: Benign for Autosomal recessive nonsyndromic hearing loss 2. Last evaluated: 2021-07-01. Review status: criteria provided, single submitter. Criteria: ACMG Guidelines, 2015. Collection method: clinical testing. Allele origin: germline. Affected: no.

Genome-Nilou Lab
Classification: Benign for Usher syndrome type 1. Last evaluated: 2021-07-01. Review status: criteria provided, single submitter. Criteria: ACMG Guidelines, 2015. Collection method: clinical testing. Allele origin: germline. Affected: no.

Mayo Clinic Laboratories, Mayo Clinic
Classification: Benign. Last evaluated: 2020-08-27. Review status: criteria provided, single submitter. Criteria: ACMG Guidelines, 2015. Collection method: clinical testing. Allele origin: germline. Observed: 132 variant alleles.

Illumina Laboratory Services, Illumina
Classification: Benign for Usher syndrome type 1. Last evaluated: 2017-04-27. Review status: criteria provided, single submitter. Criteria: ICSL Variant Classification Criteria 13 December 2019. Collection method: clinical testing. Allele origin: germline.
Comment: This variant was observed as part of a predisposition screen in an ostensibly healthy population. A literature search was performed for the gene, cDNA change, and amino acid change (where applicable). No publications were found based on this search. Allele frequency data from public databases was too high to be consistent with this variant causing disease. Therefore, this variant is classified as benign.

Illumina Laboratory Services, Illumina
Classification: Benign for Autosomal recessive nonsyndromic hearing loss 2. Last evaluated: 2017-04-27. Review status: criteria provided, single submitter. Criteria: ICSL Variant Classification Criteria 13 December 2019. Collection method: clinical testing. Allele origin: germline.
Comment: the same text as in the submission from Illumina Laboratory Services, Illumina above.

Illumina Laboratory Services, Illumina
Classification: Benign for Autosomal dominant nonsyndromic hearing loss 11. Last evaluated: 2017-04-27. Review status: criteria provided, single submitter. Criteria: ICSL Variant Classification Criteria 13 December 2019. Collection method: clinical testing. Allele origin: germline.
Comment: the same text as in the submission from Illumina Laboratory Services, Illumina above.

GeneDx
Classification: Benign. Last evaluated: 2015-03-03. Review status: criteria provided, single submitter. Criteria: GeneDx Variant Classification Process June 2021. Collection method: clinical testing. Allele origin: germline. Affected: yes.
Comment: This variant is associated with the following publications: (PMID: 25342930, 19320733, 21569298)

Eurofins Ntd Llc (ga)
Classification: Benign. Last evaluated: 2014-06-22. Review status: criteria provided, single submitter. Criteria: EGL Classification Definitions 2015. Collection method: clinical testing. Allele origin: germline. Observed: 1 variant allele, 1 heterozygote.

Laboratory for Molecular Medicine, Mass General Brigham Personalized Medicine
Classification: Benign. Last evaluated: 2007-03-08. Review status: criteria provided, single submitter. Criteria: LMM Criteria. Collection method: clinical testing. Allele origin: germline. Observed: 1,754 variant alleles.

Breakthrough Genomics
Classification: Benign. Review status: criteria provided, single submitter. Criteria: ACMG Guidelines, 2015. Collection method: not provided. Allele origin: germline. Inheritance: Autosomal recessive inheritance. Affected: yes.

PreventionGenetics, part of Exact Sciences
Classification: Benign. Review status: criteria provided, single submitter. Criteria: ACMG Guidelines, 2015. Collection method: clinical testing. Allele origin: germline.

Natera, Inc.
Classification: Benign for Usher syndrome type 1B. Last evaluated: 2020-09-16. Review status: no assertion criteria provided. Collection method: clinical testing. Allele origin: germline. Not counted in ClinVar's aggregate classification.

NM_000260.4(MYO7A):c.4996A>T (p.Ser1666Cys)

Gene: MYO7A (myosin VIIA; plus strand). Cytogenetic location: 11q13.5.
Variant type: single nucleotide variant.
Coding change: c.4996A>T on transcript NM_000260.4 (MANE Select); coding-DNA position 4996, A replaced by T.
Protein change: p.Ser1666Cys; replaces serine 1666 with cysteine.
Molecular consequence: missense variant.
Genome position (GRCh38, 1-based): chr11:77,201,591, A>T. VCF-style: chr11-77201591-A-T. GRCh37 (hg19) VCF-style: chr11-76912636-A-T.
Other names: c.4882A>T, p.Ser1628Cys (NM_001127180.2); c.4849A>T, p.Ser1617Cys (NM_001369365.1); short protein forms S1666C, S1628C, S1617C.
Identifiers: ClinVar variation 43269 (VCV000043269.30), dbSNP rs2276288, ClinGen allele CA132367.